The following is an entry in ClinVar:

ClinVar aggregate classification (germline): Uncertain significance (1 of 4 stars; one submission).

Submission:

Mayo Clinic Laboratories, Mayo Clinic
Classification: Uncertain significance. Last evaluated: 2025-11-26. Review status: criteria provided, single submitter. Criteria: ACMG Guidelines, 2015. Collection method: clinical testing. Allele origin: germline. Observed: 1 variant allele.
Comment: PP3_strong, PM1, PM2_supporting

Literature cited by the submitters: PubMed 22578544; PubMed 29093542; PubMed 30068478; PubMed 36047879; PubMed 37016629.

NM_002775.5(HTRA1):c.1018A>T (p.Ile340Phe)

Gene: HTRA1 (HtrA serine peptidase 1; plus strand). Cytogenetic location: 10q26.13.
Variant type: single nucleotide variant.
Coding change: c.1018A>T on transcript NM_002775.5 (MANE Select); coding-DNA position 1018, A replaced by T.
Protein change: p.Ile340Phe; replaces isoleucine 340 with phenylalanine.
Molecular consequence: missense variant.
Genome position (GRCh38, 1-based): chr10:122,508,668, A>T. VCF-style: chr10-122508668-A-T. GRCh37 (hg19) VCF-style: chr10-124268184-A-T.
Other names: p.Ile340Phe; short protein forms I340F.
Identifiers: ClinVar variation 4541593 (VCV004541593.1).